The following is an entry in ClinVar:

NM_001348800.3(ZBTB20):c.1286G>C (p.Gly429Ala)

Gene: ZBTB20 (zinc finger and BTB domain containing 20; minus strand). Cytogenetic location: 3q13.31.
Variant type: single nucleotide variant.
Coding change: c.1286G>C on transcript NM_001348800.3 (MANE Select); coding-DNA position 1286, G replaced by C.
Protein change: p.Gly429Ala; replaces glycine 429 with alanine.
Molecular consequence: missense variant.
Genome position (GRCh38, 1-based): chr3:114,350,792, C>G on the plus strand (G>C on the coding strand, the complement: ZBTB20 is on the minus strand). VCF-style: chr3-114350792-C-G. GRCh37 (hg19) VCF-style: chr3-114069639-C-G.
Other names: c.1286G>C, p.Gly429Ala (NM_001164342.2, NM_001348803.3, NM_001393393.1 and 1 more transcripts); c.1067G>C, p.Gly356Ala (NM_001164343.2, NM_001164344.4, NM_001164345.4 and 9 more transcripts); short protein forms G356A, G429A.
Identifiers: ClinVar variation 4799737 (VCV004799737.1).

ClinVar aggregate classification (germline): Uncertain significance (1 of 4 stars; one submission).

Submission:

Labcorp Genetics (formerly Invitae), Labcorp
Classification: Uncertain significance. Last evaluated: 2025-04-11. Review status: criteria provided, single submitter. Criteria: Invitae Variant Classification Sherloc (09022015). Collection method: clinical testing. Allele origin: germline.
Comment: This sequence change replaces glycine, which is neutral and non-polar, with alanine, which is neutral and non-polar, at codon 429 of the ZBTB20 protein (p.Gly429Ala). This variant is not present in population databases (gnomAD no frequency). This variant has not been reported in the literature in individuals affected with ZBTB20-related conditions. Invitae Evidence Modeling of protein sequence and biophysical properties (such as structural, functional, and spatial information, amino acid conservation, physicochemical variation, residue mobility, and thermodynamic stability) indicates that this missense variant is not expected to disrupt ZBTB20 protein function with a negative predictive value of 95%. In summary, the available evidence is currently insufficient to determine the role of this variant in disease. Therefore, it has been classified as a Variant of Uncertain Significance.